The following is an entry in ClinVar:

ClinVar aggregate classification (germline): Uncertain significance (1 of 4 stars; one submission).

Conditions:
Autosomal dominant hypocalcemia 1 (HYPOC1). Also called: HYPOCALCEMIA, FAMILIAL. Identifiers: MedGen C3715128, MONDO:0011013, OMIM 601198.
Familial hypocalciuric hypercalcemia (FHH). Also called: Familial benign hypercalcemia. Identifiers: Orphanet 405, MedGen C1809471, MONDO:0018458.

Submission:

Labcorp Genetics (formerly Invitae), Labcorp
Classification: Uncertain significance for Familial hypocalciuric hypercalcemia; Autosomal dominant hypocalcemia 1. Last evaluated: 2022-03-13. Review status: criteria provided, single submitter. Criteria: Invitae Variant Classification Sherloc (09022015). Collection method: clinical testing. Allele origin: germline.
Comment: This sequence change replaces glutamine, which is neutral and polar, with glutamic acid, which is acidic and polar, at codon 964 of the CASR protein (p.Gln964Glu). In summary, the available evidence is currently insufficient to determine the role of this variant in disease. Therefore, it has been classified as a Variant of Uncertain Significance. Algorithms developed to predict the effect of missense changes on protein structure and function are either unavailable or do not agree on the potential impact of this missense change (SIFT: "Deleterious"; PolyPhen-2: "Benign"; Align-GVGD: "Class C0"). ClinVar contains an entry for this variant (Variation ID: 1025704). This variant has not been reported in the literature in individuals affected with CASR-related conditions. This variant is not present in population databases (gnomAD no frequency).

NM_000388.4(CASR):c.2890C>G (p.Gln964Glu)

Gene: CASR (calcium sensing receptor; plus strand). Cytogenetic location: 3q21.1.
Variant type: single nucleotide variant.
Coding change: c.2890C>G on transcript NM_000388.4 (MANE Select); coding-DNA position 2890, C replaced by G.
Protein change: p.Gln964Glu; replaces glutamine 964 with glutamic acid.
Molecular consequence: missense variant.
Genome position (GRCh38, 1-based): chr3:122,284,844, C>G. VCF-style: chr3-122284844-C-G. GRCh37 (hg19) VCF-style: chr3-122003691-C-G.
Other names: c.2920C>G, p.Gln974Glu (NM_001178065.2); short protein forms Q964E, Q974E.
Identifiers: ClinVar variation 1025704 (VCV001025704.9), dbSNP rs2074948026, ClinGen allele CA354160993.